The following is an entry in ClinVar:

ClinVar aggregate classification (germline): Uncertain significance (1 of 4 stars; one submission).

Allele frequency attached by ClinVar (database versions not stated): gnomAD exomes below 0.00001 and 0.00002; ExAC 0.00001; ESP Exome Variant Server 0.00008.
gnomAD v4.1: 26 of 1,599,472 alleles (0.0016%); highest among the groups gnomAD compares: Non-Finnish European, 0.0021%; no homozygotes.

Submission:

Labcorp Genetics (formerly Invitae), Labcorp
Classification: Uncertain significance. Last evaluated: 2021-09-10. Review status: criteria provided, single submitter. Criteria: Invitae Variant Classification Sherloc (09022015). Collection method: clinical testing. Allele origin: germline.
Comment: This variant has not been reported in the literature in individuals affected with SIX6-related conditions. This sequence change replaces leucine with methionine at codon 4 of the SIX6 protein (p.Leu4Met). The leucine residue is highly conserved and there is a small physicochemical difference between leucine and methionine. This variant is present in population databases (rs372811052, ExAC 0.002%). In summary, the available evidence is currently insufficient to determine the role of this variant in disease. Therefore, it has been classified as a Variant of Uncertain Significance. Algorithms developed to predict the effect of missense changes on protein structure and function (SIFT, PolyPhen-2, Align-GVGD) all suggest that this variant is likely to be tolerated.

NM_007374.3(SIX6):c.10C>A (p.Leu4Met)

Genes: C14orf39 (chromosome 14 open reading frame 39; minus strand), SIX6 (SIX homeobox 6; plus strand). Cytogenetic location: 14q23.1.
Variant type: single nucleotide variant.
Coding change: c.10C>A on transcript NM_007374.3 (MANE Select); coding-DNA position 10, C replaced by A.
Protein change: p.Leu4Met; replaces leucine 4 with methionine.
Molecular consequence: missense variant.
Genome position (GRCh38, 1-based): chr14:60,509,408, C>A. VCF-style: chr14-60509408-C-A. GRCh37 (hg19) VCF-style: chr14-60976126-C-A.
Other names: short protein forms L4M.
Identifiers: ClinVar variation 1518516 (VCV001518516.6), dbSNP rs372811052, ClinGen allele CA7212535.